The following is an entry in ClinVar:

NM_000368.5(TSC1):c.2760C>T (p.Asp920=)

Gene: TSC1 (TSC complex subunit 1; minus strand). Cytogenetic location: 9q34.13.
Variant type: single nucleotide variant.
Coding change: c.2760C>T on transcript NM_000368.5 (MANE Select); coding-DNA position 2760, C replaced by T.
Protein change: p.Asp920=; no amino-acid change (aspartic acid 920 retained).
Molecular consequence: synonymous variant.
Genome position (GRCh38, 1-based): chr9:132,897,476, G>A on the plus strand (C>T on the coding strand, the complement: TSC1 is on the minus strand). VCF-style: chr9-132897476-G-A. GRCh37 (hg19) VCF-style: chr9-135772863-G-A.
Other names: c.2757C>T, p.Asp919= (NM_001162426.2); c.2607C>T, p.Asp869= (NM_001162427.2); c.2397C>T, p.Asp799= (NM_001362177.2).
Identifiers: ClinVar variation 466098 (VCV000466098.16), dbSNP rs1226490074, ClinGen allele CA467812785.
Genomic context (GRCh38, chr9:132,897,476, plus strand): 5'-AAGTTACCTTGCCTGGAGTTTGACATCCTCTAGATATTTCTTCTGTTCCAAAAGAAGGTG[G>A]TCTTTCTTGGCCAGGTGAGATTCCAGTTCCAAAATCCGTTTTTGGGAGGTATCAAGCCTC-3'
Protein context (NP_000359.1, residues 910-930): LELESHLAKK[Asp920=]HLLLEQKKYL

ClinVar aggregate classification (germline): Benign/Likely benign. Review status: criteria provided, multiple submitters, no conflicts (2 of 4 stars). 5 submissions from 5 submitters: Benign (1); Likely benign (4). Last evaluated 2026-07-09.

Conditions:
TSC1-related disorder. Also called: TSC1-related condition.
Hereditary cancer-predisposing syndrome. Also called: Tumor predisposition; Hereditary neoplastic syndrome; Neoplastic Syndromes, Hereditary; Hereditary Cancer Syndrome. Identifiers: Orphanet 140162, MedGen C0027672, MeSH D009386, MONDO:0015356.
Tuberous sclerosis syndrome (TSC). Also called: Tuberous Sclerosis Complex; Tuberous sclerosis. Identifiers: Orphanet 805, MedGen C0041341, MONDO:0001734.
Tuberous sclerosis 1 (TSC1). Identifiers: Orphanet 805, MedGen C1854465, MONDO:0008612, OMIM 191100.

Allele frequency attached by ClinVar (database versions not stated): TOPMed below 0.00001.
gnomAD v4.1: 2 of 1,614,106 alleles (0.00012%); highest among the groups gnomAD compares: Non-Finnish European, 0.00017%; no homozygotes.

Submissions (5):

PreventionGenetics, part of Exact Sciences
Classification: Likely benign for TSC1-related condition. Last evaluated: 2026-07-09. Review status: criteria provided, single submitter. Criteria: ACMG Guidelines, 2015. Collection method: clinical testing. Allele origin: germline.
Comment: This variant is classified as likely benign based on ACMG/AMP sequence variant interpretation guidelines (Richards et al. 2015 PMID: 25741868, with internal and published modifications).

Labcorp Genetics (formerly Invitae), Labcorp
Classification: Likely benign for Tuberous sclerosis 1. Last evaluated: 2025-10-30. Review status: criteria provided, single submitter. Criteria: Invitae Variant Classification Sherloc (09022015). Collection method: clinical testing. Allele origin: germline.

Myriad Genetics, Inc.
Classification: Benign for Tuberous sclerosis 1. Last evaluated: 2025-04-29. Review status: criteria provided, single submitter. Criteria: Myriad Autosomal Dominant, Autosomal Recessive and X-Linked Classification Criteria (2023). Collection method: clinical testing. Allele origin: unknown.
Comment: This variant is considered benign. This variant is a silent/synonymous amino acid change and it is not expected to impact splicing.

All of Us Research Program, National Institutes of Health
Classification: Likely benign for Tuberous sclerosis syndrome. Last evaluated: 2023-07-22. Review status: criteria provided, single submitter. Criteria: ACMG Guidelines, 2015. Collection method: clinical testing. Allele origin: germline. Inheritance: Autosomal dominant inheritance. Observed: 3 variant alleles, 3 heterozygotes.
Comment: This study involves interpretation of variants in research participants for the purpose of population health screening. Participant phenotype was not available at the time of variant classification. Additional details can be found in publication PMID: 35346344, PMCID: PMC8962531

Ambry Genetics
Classification: Likely benign for Hereditary cancer-predisposing syndrome. Last evaluated: 2021-11-17. Review status: criteria provided, single submitter. Criteria: Ambry Variant Classification Scheme 2023. Collection method: clinical testing. Allele origin: germline.